The following is an entry in ClinVar:

ClinVar aggregate classification (germline): Uncertain significance (1 of 4 stars; one submission).

gnomAD v4.1: 2 of 152,286 alleles (0.0013%); highest among the groups gnomAD compares: Non-Finnish European, 0.0029%; no homozygotes.

Submission:

GeneDx
Classification: Uncertain significance. Last evaluated: 2023-10-30. Review status: criteria provided, single submitter. Criteria: GeneDx Variant Classification Process June 2021. Collection method: clinical testing. Allele origin: germline. Affected: yes.
Comment: Has not been previously published as pathogenic or benign to our knowledge; Not observed at significant frequency in large population cohorts (gnomAD); In silico analysis supports a deleterious effect on splicing; Reported using an alternate transcript of the gene

NM_001077197.2(PDE11A):c.-14+4A>G

Gene: PDE11A (phosphodiesterase 11A; minus strand). Cytogenetic location: 2q31.2.
Variant type: single nucleotide variant.
Coding change: c.-14+4A>G on transcript NM_001077197.2; 4 bases into the intron after 14 bases upstream of the start codon, A replaced by G.
Molecular consequence: intron variant.
Genome position (GRCh38, 1-based): chr2:178,108,250, T>C on the plus strand (A>G on the coding strand, the complement: PDE11A is on the minus strand). VCF-style: chr2-178108250-T-C. GRCh37 (hg19) VCF-style: chr2-178972977-T-C.
Identifiers: ClinVar variation 3363539 (VCV003363539.1).
Genomic context (GRCh38, chr2:178,108,250, plus strand): 5'-TTTTTAATATTGGCATTAAAAACGGCCAGCGGTTCCTCCCTTTGCCCCCGCTCCCAGCAG[T>C]CACCTGGAACAGCCACCTGGCCAGAGTCCACGCCTCAACTTCGAGGCTGGCGATCCAGAA-3'